The following is an entry in ClinVar:

ClinVar aggregate classification (germline): Pathogenic (1 of 4 stars; one submission).

Submission:

Labcorp Genetics (formerly Invitae), Labcorp
Classification: Pathogenic. Last evaluated: 2023-10-30. Review status: criteria provided, single submitter. Criteria: Invitae Variant Classification Sherloc (09022015). Collection method: clinical testing. Allele origin: unknown.
Comment: This variant is a gross deletion of the genomic region encompassing exon(s) 15 of the IARS2 gene. This deletion is out-of-frame, and is expected to create a premature termination codon and result in an absent or disrupted protein product. Loss-of-function variants in IARS2 are known to be pathogenic (PMID: 33327715). This variant has not been reported in the literature in individuals affected with IARS2-related conditions. For these reasons, this variant has been classified as Pathogenic.

Literature cited by the submitters: PubMed 33327715.

NC_000001.10:g.(?_220307724)_(220307872_?)del

Gene: IARS2 (isoleucyl-tRNA synthetase 2, mitochondrial; plus strand). Cytogenetic location: 1q41.
Variant type: Deletion.
Identifiers: ClinVar variation 3248006 (VCV003248006.1).